The following is an entry in ClinVar:

NM_001374259.2(IL12RB2):c.1028T>C (p.Leu343Pro)

Gene: IL12RB2 (interleukin 12 receptor subunit beta 2; plus strand). Cytogenetic location: 1p31.3.
Variant type: single nucleotide variant.
Coding change: c.1028T>C on transcript NM_001374259.2 (MANE Select); coding-DNA position 1028, T replaced by C.
Protein change: p.Leu343Pro; replaces leucine 343 with proline.
Molecular consequence: missense variant. On other transcripts: non-coding transcript variant (2).
Genome position (GRCh38, 1-based): chr1:67,338,693, T>C. VCF-style: chr1-67338693-T-C. GRCh37 (hg19) VCF-style: chr1-67804376-T-C.
Other names: c.1028T>C, p.Leu343Pro (NM_001258214.1, NM_001258215.1, NM_001258216.1 and 2 more transcripts); short protein forms L343P.
Identifiers: ClinVar variation 4767422 (VCV004767422.1).

ClinVar aggregate classification (germline): Uncertain significance (1 of 4 stars; one submission).

gnomAD v4.1: 9 of 1,503,550 alleles (0.0006%); highest among the groups gnomAD compares: Non-Finnish European, 0.00083%; no homozygotes.

Submission:

Labcorp Genetics (formerly Invitae), Labcorp
Classification: Uncertain significance. Last evaluated: 2025-05-30. Review status: criteria provided, single submitter. Criteria: Invitae Variant Classification Sherloc (09022015). Collection method: clinical testing. Allele origin: germline.
Comment: This sequence change replaces leucine, which is neutral and non-polar, with proline, which is neutral and non-polar, at codon 343 of the IL12RB2 protein (p.Leu343Pro). This variant is present in population databases (no rsID available, gnomAD 0.0009%). This variant has not been reported in the literature in individuals affected with IL12RB2-related conditions. An algorithm developed to predict the effect of missense changes on protein structure and function (PolyPhen-2) suggests that this variant is likely to be disruptive. In summary, the available evidence is currently insufficient to determine the role of this variant in disease. Therefore, it has been classified as a Variant of Uncertain Significance.